The following is an entry in ClinVar:

ClinVar aggregate classification (germline): Uncertain significance. Review status: criteria provided, multiple submitters, no conflicts (2 of 4 stars). 2 submissions from 2 submitters: Uncertain significance (2). Last evaluated 2025-12-24.

Conditions:
Adams-Oliver syndrome 5 (AOS5). Identifiers: Orphanet 974, MedGen C4014970, MONDO:0014459, OMIM 616028.
Familial thoracic aortic aneurysm and aortic dissection (TAAD). Also called: Thoracic aortic aneurysms and dissections. Identifiers: Orphanet 91387, MedGen C4707243, MONDO:0019625.

Allele frequency attached by ClinVar (database versions not stated): TOPMed below 0.00001; gnomAD 0.00001.
gnomAD v4.1: 7 of 1,585,660 alleles (0.00044%); highest among the groups gnomAD compares: Middle Eastern, 0.034%; no homozygotes.

Submissions (2):

Labcorp Genetics (formerly Invitae), Labcorp
Classification: Uncertain significance for Adams-Oliver syndrome 5. Last evaluated: 2025-12-24. Review status: criteria provided, single submitter. Criteria: Invitae Variant Classification Sherloc (09022015). Collection method: clinical testing. Allele origin: germline.
Comment: This sequence change replaces proline, which is neutral and non-polar, with threonine, which is neutral and polar, at codon 1367 of the NOTCH1 protein (p.Pro1367Thr). This variant is not present in population databases (gnomAD no frequency). This variant has not been reported in the literature in individuals affected with NOTCH1-related conditions. ClinVar contains an entry for this variant (Variation ID: 1737796). Invitae Evidence Modeling of protein sequence and biophysical properties (such as structural, functional, and spatial information, amino acid conservation, physicochemical variation, residue mobility, and thermodynamic stability) indicates that this missense variant is not expected to disrupt NOTCH1 protein function with a negative predictive value of 80%. In summary, the available evidence is currently insufficient to determine the role of this variant in disease. Therefore, it has been classified as a Variant of Uncertain Significance.

Ambry Genetics
Classification: Uncertain significance for Familial thoracic aortic aneurysm and aortic dissection. Last evaluated: 2022-12-01. Review status: criteria provided, single submitter. Criteria: Ambry Variant Classification Scheme 2023. Collection method: clinical testing. Allele origin: germline.
Comment: The p.P1367T variant (also known as c.4099C>A), located in coding exon 25 of the NOTCH1 gene, results from a C to A substitution at nucleotide position 4099. The proline at codon 1367 is replaced by threonine, an amino acid with highly similar properties. This amino acid position is not well conserved in available vertebrate species. In addition, this alteration is predicted to be tolerated by in silico analysis. Since supporting evidence is limited at this time, the clinical significance of this alteration remains unclear.

NM_017617.5(NOTCH1):c.4099C>A (p.Pro1367Thr)

Gene: NOTCH1 (notch receptor 1; minus strand). Cytogenetic location: 9q34.3.
Variant type: single nucleotide variant.
Coding change: c.4099C>A on transcript NM_017617.5 (MANE Select); coding-DNA position 4099, C replaced by A.
Protein change: p.Pro1367Thr; replaces proline 1367 with threonine.
Molecular consequence: missense variant.
Genome position (GRCh38, 1-based): chr9:136,505,797, G>T on the plus strand (C>A on the coding strand, the complement: NOTCH1 is on the minus strand). VCF-style: chr9-136505797-G-T. GRCh37 (hg19) VCF-style: chr9-139400249-G-T.
Other names: short protein forms P1367T.
Identifiers: ClinVar variation 1737796 (VCV001737796.5), dbSNP rs1197737936, ClinGen allele CA375649785.